The following is an entry in ClinVar:

ClinVar aggregate classification (germline): Likely benign (1 of 4 stars; one submission).

Allele frequency attached by ClinVar (database versions not stated): ExAC 0.00035; ESP Exome Variant Server 0.00046; TOPMed 0.00059; gnomAD 0.00065; gnomAD exomes 0.00094.
gnomAD v4.1: 1,442 of 1,614,084 alleles (0.089%); highest among the groups gnomAD compares: Non-Finnish European, 0.11%; 5 homozygotes.

Submission:

CeGaT Center for Human Genetics Tuebingen
Classification: Likely benign. Last evaluated: 2026-09-01. Review status: criteria provided, single submitter. Criteria: CeGaT Center For Human Genetics Tuebingen Variant Classification Criteria Version 2. Collection method: clinical testing. Allele origin: germline. Affected: yes. Observed: 3 variant alleles.
Comment: ZFHX3: BP4, BP7

NM_006885.4(ZFHX3):c.9223T>C (p.Leu3075=)

Genes: ZFHX3 (zinc finger homeobox 3; minus strand), ZFHX3-AS1 (ZFHX3 antisense RNA 1; plus strand). Cytogenetic location: 16q22.2.
Variant type: single nucleotide variant.
Coding change: c.9223T>C on transcript NM_006885.4 (MANE Select); coding-DNA position 9223, T replaced by C.
Protein change: p.Leu3075=; no amino-acid change (leucine 3075 retained).
Molecular consequence: synonymous variant.
Genome position (GRCh38, 1-based): chr16:72,793,459, A>G on the plus strand (T>C on the coding strand, the complement: ZFHX3 is on the minus strand). VCF-style: chr16-72793459-A-G. GRCh37 (hg19) VCF-style: chr16-72827358-A-G.
Other names: c.6481T>C, p.Leu2161= (NM_001164766.2); c.9223T>C, p.Leu3075= (NM_001386735.1).
Identifiers: ClinVar variation 2646820 (VCV002646820.24), dbSNP rs139107568, ClinGen allele CA8162926.